The following is an entry in ClinVar:

NM_001868.4(CPA1):c.494G>C (p.Gly165Ala)

Gene: CPA1 (carboxypeptidase A1; plus strand). Cytogenetic location: 7q32.2.
Variant type: single nucleotide variant.
Coding change: c.494G>C on transcript NM_001868.4 (MANE Select); coding-DNA position 494, G replaced by C.
Protein change: p.Gly165Ala; replaces glycine 165 with alanine.
Molecular consequence: missense variant.
Genome position (GRCh38, 1-based): chr7:130,383,401, G>C. VCF-style: chr7-130383401-G-C. GRCh37 (hg19) VCF-style: chr7-130023242-G-C.
Other names: short protein forms G165A.
Identifiers: ClinVar variation 1744323 (VCV001744323.4), dbSNP rs200317425, ClinGen allele CA166890031.

ClinVar aggregate classification (germline): Uncertain significance. Review status: criteria provided, multiple submitters, no conflicts (2 of 4 stars). 2 submissions from 2 submitters: Uncertain significance (2). Last evaluated 2024-05-19.

Conditions:
Hereditary pancreatitis (PCTT). Also called: Hereditary chronic pancreatitis; PRSS1-Related Hereditary Pancreatitis. Identifiers: Orphanet 676, MedGen C0238339, MONDO:0008185, OMIM 167800.

Allele frequency attached by ClinVar (database versions not stated): 1000 Genomes Project 30x 0.00016; 1000 Genomes Project 0.00020.
gnomAD v4.1: 5 of 1,614,052 alleles (0.00031%); highest among the groups gnomAD compares: African/African-American, 0.0053%; no homozygotes.

Submissions (2):

Ambry Genetics
Classification: Uncertain significance for Hereditary pancreatitis. Last evaluated: 2024-05-19. Review status: criteria provided, single submitter. Criteria: Ambry Variant Classification Scheme 2023. Collection method: clinical testing. Allele origin: germline.
Comment: The p.G165A variant (also known as c.494G>C), located in coding exon 5 of the CPA1 gene, results from a G to C substitution at nucleotide position 494. The glycine at codon 165 is replaced by alanine, an amino acid with similar properties. This amino acid position is conserved. In addition, the in silico prediction for this alteration is inconclusive. Since supporting evidence is limited at this time, the clinical significance of this alteration remains unclear.

Blueprint Genetics
Classification: Uncertain significance. Last evaluated: 2021-08-25. Review status: criteria provided, single submitter. Criteria: ACMG Guidelines, 2015. Collection method: clinical testing. Allele origin: germline.